The following is an entry in ClinVar:

ClinVar aggregate classification (germline): Conflicting classifications of pathogenicity. Review status: criteria provided, conflicting classifications (1 of 4 stars). 2 submissions from 2 submitters: Uncertain significance (1); Likely benign (1). Last evaluated 2025-06-03.

Conditions:
Inborn genetic diseases. Identifiers: MedGen C0950123, MeSH D030342.

Allele frequency attached by ClinVar (database versions not stated): ExAC 0.00012; gnomAD 0.00003; ESP Exome Variant Server 0.00008; TOPMed 0.00003.
gnomAD v4.1: 84 of 1,611,792 alleles (0.0052%); highest among the groups gnomAD compares: South Asian, 0.066%; 1 homozygote.

Submissions (2):

Ambry Genetics
Classification: Likely benign for Inborn genetic diseases. Last evaluated: 2025-06-03. Review status: criteria provided, single submitter. Criteria: Ambry Variant Classification Scheme 2023. Collection method: clinical testing. Allele origin: germline.

Labcorp Genetics (formerly Invitae), Labcorp
Classification: Uncertain significance. Last evaluated: 2024-05-29. Review status: criteria provided, single submitter. Criteria: Invitae Variant Classification Sherloc (09022015). Collection method: clinical testing. Allele origin: germline.
Comment: This sequence change replaces arginine, which is basic and polar, with histidine, which is basic and polar, at codon 215 of the ATR protein (p.Arg215His). This variant is present in population databases (rs368507270, gnomAD 0.08%). This variant has not been reported in the literature in individuals affected with ATR-related conditions. ClinVar contains an entry for this variant (Variation ID: 2197649). Algorithms developed to predict the effect of missense changes on protein structure and function output the following: SIFT: "Not Available"; PolyPhen-2: "Benign"; Align-GVGD: "Not Available". The histidine amino acid residue is found in multiple mammalian species, which suggests that this missense change does not adversely affect protein function. In summary, the available evidence is currently insufficient to determine the role of this variant in disease. Therefore, it has been classified as a Variant of Uncertain Significance.

NM_001184.4(ATR):c.644G>A (p.Arg215His)

Gene: ATR (ATR checkpoint kinase; minus strand). Cytogenetic location: 3q23.
Variant type: single nucleotide variant.
Coding change: c.644G>A on transcript NM_001184.4 (MANE Select); coding-DNA position 644, G replaced by A.
Protein change: p.Arg215His; replaces arginine 215 with histidine.
Molecular consequence: missense variant.
Genome position (GRCh38, 1-based): chr3:142,562,758, C>T on the plus strand (G>A on the coding strand, the complement: ATR is on the minus strand). VCF-style: chr3-142562758-C-T. GRCh37 (hg19) VCF-style: chr3-142281600-C-T.
Other names: c.644G>A, p.Arg215His (NM_001354579.2); c.644G>A (NM_001184.3); short protein forms R215H.
Identifiers: ClinVar variation 2197649 (VCV002197649.6), dbSNP rs368507270, ClinGen allele CA2650741.